The following is an entry in ClinVar:

NM_004260.4(RECQL4):c.113C>G (p.Thr38Ser)

Genes: RECQL4 (RecQ like helicase 4; minus strand), LOC130001411 (ATAC-STARR-seq lymphoblastoid silent region 19699; plus strand). Cytogenetic location: 8q24.3.
Variant type: single nucleotide variant.
Coding change: c.113C>G on transcript NM_004260.4 (MANE Select); coding-DNA position 113, C replaced by G.
Protein change: p.Thr38Ser; replaces threonine 38 with serine.
Molecular consequence: missense variant.
Genome position (GRCh38, 1-based): chr8:144,517,607, G>C on the plus strand (C>G on the coding strand, the complement: RECQL4 is on the minus strand). VCF-style: chr8-144517607-G-C. GRCh37 (hg19) VCF-style: chr8-145742991-G-C.
Other names: short protein forms T38S.
Identifiers: ClinVar variation 642247 (VCV000642247.9), dbSNP rs1348040384, ClinGen allele CA372693372.

ClinVar aggregate classification (germline): Uncertain significance. Review status: criteria provided, multiple submitters, no conflicts (2 of 4 stars). 2 submissions from 2 submitters: Uncertain significance (2). Last evaluated 2024-11-25.

Conditions:
Inborn genetic diseases. Identifiers: MedGen C0950123, MeSH D030342.
Baller-Gerold syndrome (BGS). Also called: CRANIOSYNOSTOSIS WITH RADIAL DEFECTS. Identifiers: Orphanet 1225, MedGen C0265308, MONDO:0009039, OMIM 218600.

Allele frequency attached by ClinVar (database versions not stated): gnomAD exomes below 0.00001; TOPMed 0.00002.
gnomAD v4.1: 8 of 1,487,030 alleles (0.00054%); highest among the groups gnomAD compares: Non-Finnish European, 0.00071%; no homozygotes.

Submissions (2):

Ambry Genetics
Classification: Uncertain significance for Inborn genetic diseases. Last evaluated: 2024-11-25. Review status: criteria provided, single submitter. Criteria: Ambry Variant Classification Scheme 2023. Collection method: clinical testing. Allele origin: germline.
Comment: The p.T38S variant (also known as c.113C>G), located in coding exon 2 of the RECQL4 gene, results from a C to G substitution at nucleotide position 113. The threonine at codon 38 is replaced by serine, an amino acid with similar properties. This amino acid position is conserved. In addition, this alteration is predicted to be tolerated by in silico analysis. Based on the available evidence, the clinical significance of this variant remains unclear.

Labcorp Genetics (formerly Invitae), Labcorp
Classification: Uncertain significance for Baller-Gerold syndrome. Last evaluated: 2024-04-22. Review status: criteria provided, single submitter. Criteria: Invitae Variant Classification Sherloc (09022015). Collection method: clinical testing. Allele origin: germline.
Comment: This sequence change replaces threonine, which is neutral and polar, with serine, which is neutral and polar, at codon 38 of the RECQL4 protein (p.Thr38Ser). This variant is present in population databases (no rsID available, gnomAD 0.007%). This variant has not been reported in the literature in individuals affected with RECQL4-related conditions. ClinVar contains an entry for this variant (Variation ID: 642247). Experimental studies and prediction algorithms are not available or were not evaluated, and the functional significance of this variant is currently unknown. In summary, the available evidence is currently insufficient to determine the role of this variant in disease. Therefore, it has been classified as a Variant of Uncertain Significance.